The following is an entry in ClinVar:

NM_005228.5(EGFR):c.2814A>G (p.Ile938Met)

Gene: EGFR (epidermal growth factor receptor; plus strand). Cytogenetic location: 7p11.2.
Variant type: single nucleotide variant.
Coding change: c.2814A>G on transcript NM_005228.5 (MANE Select); coding-DNA position 2814, A replaced by G.
Protein change: p.Ile938Met; replaces isoleucine 938 with methionine.
Molecular consequence: missense variant.
Genome position (GRCh38, 1-based): chr7:55,198,829, A>G. VCF-style: chr7-55198829-A-G. GRCh37 (hg19) VCF-style: chr7-55266522-A-G.
Other names: c.2679A>G, p.Ile893Met (NM_001346897.2, NM_001346899.2); c.2814A>G, p.Ile938Met (NM_001346898.2); c.2655A>G, p.Ile885Met (NM_001346900.2); c.2013A>G, p.Ile671Met (NM_001346941.2); c.2814A>G (NM_005228.3); short protein forms I671M, I885M, I893M, I938M.
Identifiers: ClinVar variation 1060680 (VCV001060680.10), dbSNP rs763924711, ClinGen allele CA4266179.

ClinVar aggregate classification (germline): Uncertain significance. Review status: criteria provided, multiple submitters, no conflicts (2 of 4 stars). 2 submissions from 2 submitters: Uncertain significance (2). Last evaluated 2026-07-10.

Conditions:
EGFR-related lung cancer (EGFR). Identifiers: MedGen CN130014.
Hereditary cancer-predisposing syndrome. Also called: Tumor predisposition; Hereditary Cancer Syndrome; Hereditary neoplastic syndrome; Neoplastic Syndromes, Hereditary. Identifiers: Orphanet 140162, MedGen C0027672, MeSH D009386, MONDO:0015356.

Allele frequency attached by ClinVar (database versions not stated): ExAC 0.00001.

Submissions (2):

Ambry Genetics
Classification: Uncertain significance for Hereditary cancer-predisposing syndrome. Last evaluated: 2026-07-10. Review status: criteria provided, single submitter. Criteria: Ambry Variant Classification Scheme 2023. Collection method: clinical testing. Allele origin: germline.
Comment: The p.I938M variant (also known as c.2814A>G), located in coding exon 23 of the EGFR gene, results from an A to G substitution at nucleotide position 2814. The isoleucine at codon 938 is replaced by methionine, an amino acid with highly similar properties. This amino acid position is well conserved in available vertebrate species. In addition, the in silico prediction for this alteration is inconclusive. Based on the available evidence, the clinical significance of this variant remains unclear.

Labcorp Genetics (formerly Invitae), Labcorp
Classification: Uncertain significance for EGFR-related lung cancer. Last evaluated: 2023-06-09. Review status: criteria provided, single submitter. Criteria: Invitae Variant Classification Sherloc (09022015). Collection method: clinical testing. Allele origin: germline.
Comment: This variant has not been reported in the literature in individuals affected with EGFR-related conditions. This variant is not present in population databases (gnomAD no frequency). This sequence change replaces isoleucine, which is neutral and non-polar, with methionine, which is neutral and non-polar, at codon 938 of the EGFR protein (p.Ile938Met). ClinVar contains an entry for this variant (Variation ID: 1060680). In summary, the available evidence is currently insufficient to determine the role of this variant in disease. Therefore, it has been classified as a Variant of Uncertain Significance. Experimental studies have shown that this missense change does not substantially affect EGFR function (PMID: 31314158). Advanced modeling of protein sequence and biophysical properties (such as structural, functional, and spatial information, amino acid conservation, physicochemical variation, residue mobility, and thermodynamic stability) performed at Invitae indicates that this missense variant is expected to disrupt EGFR protein function.

Literature cited by the submitters: PubMed 31314158 (cited by Labcorp Genetics (formerly Invitae), Labcorp).